The following is an entry in ClinVar:

NM_016032.4(ZDHHC9):c.979G>A (p.Ala327Thr)

Gene: ZDHHC9 (zDHHC palmitoyltransferase 9; minus strand). Cytogenetic location: Xq26.1.
Variant type: single nucleotide variant.
Coding change: c.979G>A on transcript NM_016032.4 (MANE Select); coding-DNA position 979, G replaced by A.
Protein change: p.Ala327Thr; replaces alanine 327 with threonine.
Molecular consequence: missense variant.
Genome position (GRCh38, 1-based): chrX:129,806,486, C>T on the plus strand (G>A on the coding strand, the complement: ZDHHC9 is on the minus strand). VCF-style: chrX-129806486-C-T. GRCh37 (hg19) VCF-style: chrX-128940462-C-T.
Other names: c.979G>A (NM_016032.3); c.979G>A, p.Ala327Thr (NM_001008222.3); short protein forms A327T.
Identifiers: ClinVar variation 2231405 (VCV002231405.8), dbSNP rs764184460, ClinGen allele CA10513418.
Genomic context (GRCh38, chrX:129,806,486, plus strand): 5'-TCTCTTCGGGAGTGCTGCTGTCCTCCGGCATCTCATTTGAGTTCAGGTGTTCTGTGGGGG[C>T]CTGAGAAGGAAAAGATATGAGATTCAACACAAAGCTGTTCCTCAAAATCCAAATGCAGAT-3'
Protein context (NP_057116.2, residues 317-337): TSSSLLPQSP[Ala327Thr]PTEHLNSNEM

ClinVar aggregate classification (germline): Uncertain significance. Review status: criteria provided, multiple submitters, no conflicts (2 of 4 stars). 2 submissions from 2 submitters: Uncertain significance (2). Last evaluated 2026-01-26.

Conditions:
Intellectual developmental disorder, X-linked, syndromic, Raymond type. Also called: Syndromic X-linked intellectual disability Raymond type. Identifiers: MedGen C3275406, MONDO:0010427, OMIM 300799.
Inborn genetic diseases. Identifiers: MedGen C0950123, MeSH D030342.

Allele frequency attached by ClinVar (database versions not stated): gnomAD exomes below 0.00001; ExAC 0.00001; TOPMed 0.00001.
gnomAD v4.1: 2 of 1,204,207 alleles (0.00017%); highest among the groups gnomAD compares: Admixed American, 0.0044%; no homozygotes.

Submissions (2):

Labcorp Genetics (formerly Invitae), Labcorp
Classification: Uncertain significance for Intellectual developmental disorder, X-linked, syndromic, Raymond type. Last evaluated: 2026-01-26. Review status: criteria provided, single submitter. Criteria: Invitae Variant Classification Sherloc (09022015). Collection method: clinical testing. Allele origin: germline.
Comment: This sequence change replaces alanine, which is neutral and non-polar, with threonine, which is neutral and polar, at codon 327 of the ZDHHC9 protein (p.Ala327Thr). This variant is present in population databases (rs764184460, gnomAD 0.004%), including at least one homozygous and/or hemizygous individual. This variant has not been reported in the literature in individuals affected with ZDHHC9-related conditions. ClinVar contains an entry for this variant (Variation ID: 2231405). An algorithm developed to predict the effect of missense changes on protein structure and function (PolyPhen-2) suggests that this variant is likely to be tolerated. In summary, the available evidence is currently insufficient to determine the role of this variant in disease. Therefore, it has been classified as a Variant of Uncertain Significance.

Ambry Genetics
Classification: Uncertain significance for Inborn genetic diseases. Last evaluated: 2021-06-18. Review status: criteria provided, single submitter. Criteria: Ambry Variant Classification Scheme 2023. Collection method: clinical testing. Allele origin: germline.